The following is an entry in ClinVar:

ClinVar aggregate classification (germline): Uncertain significance. Review status: criteria provided, multiple submitters, no conflicts (2 of 4 stars). 4 submissions from 4 submitters: Uncertain significance (4). Last evaluated 2024-03-31.

Conditions:
Cardiovascular phenotype. Identifiers: MedGen CN230736.
Alstrom syndrome (ALMS). Identifiers: Orphanet 64, MedGen C0268425, MONDO:0008763, OMIM 203800.

Allele frequency attached by ClinVar (database versions not stated): ExAC 0.00001; gnomAD exomes 0.00001.
gnomAD v4.1: 9 of 1,613,786 alleles (0.00056%); highest among the groups gnomAD compares: Non-Finnish European, 0.00059%; no homozygotes.

Submissions (4):

Women's Health and Genetics/Laboratory Corporation of America, LabCorp
Classification: Uncertain significance. Last evaluated: 2024-03-31. Review status: criteria provided, single submitter. Criteria: LabCorp Variant Classification Summary - May 2015. Collection method: clinical testing. Allele origin: germline.

GeneDx
Classification: Uncertain significance. Last evaluated: 2022-09-09. Review status: criteria provided, single submitter. Criteria: GeneDx Variant Classification Process June 2021. Collection method: clinical testing. Allele origin: germline. Affected: yes.
Comment: Not observed at significant frequency in large population cohorts (gnomAD); In silico analysis supports that this missense variant does not alter protein structure/function; Has not been previously published as pathogenic or benign to our knowledge

Ambry Genetics
Classification: Uncertain significance for Cardiovascular phenotype. Last evaluated: 2022-05-10. Review status: criteria provided, single submitter. Criteria: Ambry Variant Classification Scheme 2023. Collection method: clinical testing. Allele origin: germline.
Comment: The p.S3707T variant (also known as c.11119T>A), located in coding exon 16 of the ALMS1 gene, results from a T to A substitution at nucleotide position 11119. The serine at codon 3707 is replaced by threonine, an amino acid with similar properties. This amino acid position is not well conserved in available vertebrate species. In addition, this alteration is predicted to be tolerated by in silico analysis. Since supporting evidence is limited at this time, the clinical significance of this alteration remains unclear.

Labcorp Genetics (formerly Invitae), Labcorp
Classification: Uncertain significance for Alstrom syndrome. Last evaluated: 2021-10-12. Review status: criteria provided, single submitter. Criteria: Invitae Variant Classification Sherloc (09022015). Collection method: clinical testing. Allele origin: germline.
Comment: This sequence change replaces serine with threonine at codon 3707 of the ALMS1 protein (p.Ser3707Thr). The serine residue is moderately conserved and there is a small physicochemical difference between serine and threonine. This variant is present in population databases (rs749624694, ExAC 0.002%). This variant has not been reported in the literature in individuals affected with ALMS1-related conditions. Experimental studies and prediction algorithms are not available or were not evaluated, and the functional significance of this variant is currently unknown. In summary, the available evidence is currently insufficient to determine the role of this variant in disease. Therefore, it has been classified as a Variant of Uncertain Significance.

NM_001378454.1(ALMS1):c.11116T>A (p.Ser3706Thr)

Gene: ALMS1 (ALMS1 centrosome and basal body associated protein; plus strand). Cytogenetic location: 2p13.1.
Variant type: single nucleotide variant.
Coding change: c.11116T>A on transcript NM_001378454.1 (MANE Select); coding-DNA position 11116, T replaced by A.
Protein change: p.Ser3706Thr; replaces serine 3706 with threonine.
Molecular consequence: missense variant.
Genome position (GRCh38, 1-based): chr2:73,572,993, T>A. VCF-style: chr2-73572993-T-A. GRCh37 (hg19) VCF-style: chr2-73800120-T-A.
Other names: c.11119T>A, p.Ser3707Thr (NM_015120.4); short protein forms S3706T, S3707T.
Identifiers: ClinVar variation 1505624 (VCV001505624.7), dbSNP rs749624694, ClinGen allele CA1715124.
Genomic context (GRCh38, chr2:73,572,993, plus strand): 5'-CATAAAAATACAGGCGAGCTTAAAAAAAGCAAGGTGCTTTCTCATCATCGAGCTGGGAGG[T>A]CTAATCAAATTAAAATTGAACAGATTAAATTTGATAAATATATTCTGAGTAAACAGCCAG-3'
Protein context (NP_001365383.1, residues 3696-3716): KVLSHHRAGR[Ser3706Thr]NQIKIEQIKF